The following is an entry in ClinVar:

ClinVar aggregate classification (germline): Uncertain significance (1 of 4 stars; one submission).

Allele frequency attached by ClinVar (database versions not stated): gnomAD exomes below 0.00001; ExAC 0.00001; TOPMed 0.00002.

Submission:

Labcorp Genetics (formerly Invitae), Labcorp
Classification: Uncertain significance. Last evaluated: 2023-11-03. Review status: criteria provided, single submitter. Criteria: Invitae Variant Classification Sherloc (09022015). Collection method: clinical testing. Allele origin: germline.
Comment: This sequence change replaces glutamine, which is neutral and polar, with lysine, which is basic and polar, at codon 1124 of the ERBIN protein (p.Gln1124Lys). This variant is present in population databases (rs757898458, gnomAD 0.006%). This variant has not been reported in the literature in individuals affected with ERBIN-related conditions. An algorithm developed to predict the effect of missense changes on protein structure and function (PolyPhen-2) suggests that this variant is likely to be tolerated. In summary, the available evidence is currently insufficient to determine the role of this variant in disease. Therefore, it has been classified as a Variant of Uncertain Significance.

NM_001253697.2(ERBIN):c.3370C>A (p.Gln1124Lys)

Gene: ERBIN (erbb2 interacting protein; plus strand). Cytogenetic location: 5q12.3.
Variant type: single nucleotide variant.
Coding change: c.3370C>A on transcript NM_001253697.2 (MANE Select); coding-DNA position 3370, C replaced by A.
Protein change: p.Gln1124Lys; replaces glutamine 1124 with lysine.
Molecular consequence: missense variant.
Genome position (GRCh38, 1-based): chr5:66,054,688, C>A. VCF-style: chr5-66054688-C-A. GRCh37 (hg19) VCF-style: chr5-65350516-C-A.
Other names: c.3370C>A, p.Gln1124Lys (NM_001006600.3, NM_001253698.2, NM_001253699.2 and 1 more transcripts); c.3358C>A, p.Gln1120Lys (NM_001253701.2); short protein forms Q1124K, Q1120K.
Identifiers: ClinVar variation 2967791 (VCV002967791.3), dbSNP rs757898458, ClinGen allele CA3286648.
Genomic context (GRCh38, chr5:66,054,688, plus strand): 5'-TATTTATCATACAGAGAGTTCCACTCAGCGGGAAGAACTCCTCCAATGATGCCAGGATCA[C>A]AGAGACCCCTTTCTGCACGAACATACAGCATAGATGGTCCAAATGCATCAAGACCTCAGA-3'
Protein context (NP_001240626.1, residues 1114-1134): GRTPPMMPGS[Gln1124Lys]RPLSARTYSI